The following is an entry in ClinVar:

ClinVar aggregate classification (germline): Uncertain significance (1 of 4 stars; one submission).

Conditions:
Hereditary cancer-predisposing syndrome. Also called: Neoplastic Syndromes, Hereditary; Tumor predisposition; Hereditary neoplastic syndrome; Hereditary Cancer Syndrome. Identifiers: Orphanet 140162, MedGen C0027672, MeSH D009386, MONDO:0015356.

Submission:

Ambry Genetics
Classification: Uncertain significance for Hereditary cancer-predisposing syndrome. Last evaluated: 2023-09-27. Review status: criteria provided, single submitter. Criteria: Ambry Variant Classification Scheme 2023. Collection method: clinical testing. Allele origin: germline.
Comment: The p.L26F variant (also known as c.76C>T), located in coding exon 2 of the SDHAF2 gene, results from a C to T substitution at nucleotide position 76. The leucine at codon 26 is replaced by phenylalanine, an amino acid with highly similar properties. This amino acid position is conserved. In addition, this alteration is predicted to be tolerated by in silico analysis. Since supporting evidence is limited at this time, the clinical significance of this alteration remains unclear.

NM_017841.4(SDHAF2):c.76C>T (p.Leu26Phe)

Gene: SDHAF2 (succinate dehydrogenase complex assembly factor 2; plus strand). Cytogenetic location: 11q12.2.
Variant type: single nucleotide variant.
Coding change: c.76C>T on transcript NM_017841.4 (MANE Select); coding-DNA position 76, C replaced by T.
Protein change: p.Leu26Phe; replaces leucine 26 with phenylalanine.
Molecular consequence: missense variant.
Genome position (GRCh38, 1-based): chr11:61,437,664, C>T. VCF-style: chr11-61437664-C-T. GRCh37 (hg19) VCF-style: chr11-61205136-C-T.
Other names: short protein forms L26F.
Identifiers: ClinVar variation 3227062 (VCV003227062.1), dbSNP rs751530375, ClinGen allele CA380682920.